The following is an entry in ClinVar:

ClinVar aggregate classification (germline): Pathogenic (1 of 4 stars; one submission).

Conditions:
Inborn genetic diseases. Identifiers: MedGen C0950123, MeSH D030342.

Submission:

Ambry Genetics
Classification: Pathogenic for Inborn genetic diseases. Last evaluated: 2021-09-17. Review status: criteria provided, single submitter. Criteria: Ambry Variant Classification Scheme 2023. Collection method: clinical testing. Allele origin: germline.
Comment: The c.140-1G>C intronic variant results from a G to C substitution one nucleotide before coding exon 2 of the GNAS gene. Alterations that disrupt the canonical splice site are expected to cause aberrant splicing, resulting in an abnormal protein or a transcript that is subject to nonsense-mediated mRNA decay. Based on data from the Genome Aggregation Database (gnomAD), the GNAS c.140-1G>C alteration was not observed, with coverage at this position. This nucleotide position is highly conserved in available vertebrate species. In silico splice site analysis predicts that this alteration will weaken the native splice acceptor site. Based on the available evidence, this alteration is classified as pathogenic.

NM_000516.7(GNAS):c.140-1G>C

Gene: GNAS (GNAS complex locus; plus strand). Cytogenetic location: 20q13.32.
Variant type: single nucleotide variant.
Coding change: c.140-1G>C on transcript NM_000516.7 (MANE Select); the canonical splice acceptor site of the intron before coding-DNA position 140, G replaced by C.
Molecular consequence: splice acceptor variant.
Genome position (GRCh38, 1-based): chr20:58,895,611, G>C. VCF-style: chr20-58895611-G-C. GRCh37 (hg19) VCF-style: chr20-57470666-G-C.
Other names: c.*43-1G>C (NM_016592.5); c.44-1G>C (NM_001410912.1); c.-38-1G>C (NM_001309861.2, NM_001309840.2); c.*1-1G>C (NM_001077490.3); c.2069-1G>C (NM_080425.4, NM_001410913.1); c.*159-1G>C (NM_001309883.1); c.140-1G>C (NM_001077488.5, NM_080426.4, NM_001077489.4 and 1 more transcripts).
Identifiers: ClinVar variation 2236363 (VCV002236363.2), dbSNP rs6026588, ClinGen allele CA409449532.